The following is an entry in ClinVar:

NM_030957.4(ADAMTS10):c.2065G>A (p.Asp689Asn)

Gene: ADAMTS10 (ADAM metallopeptidase with thrombospondin type 1 motif 10; minus strand). Cytogenetic location: 19p13.2.
Variant type: single nucleotide variant.
Coding change: c.2065G>A on transcript NM_030957.4 (MANE Select); coding-DNA position 2065, G replaced by A.
Protein change: p.Asp689Asn; replaces aspartic acid 689 with asparagine.
Molecular consequence: missense variant.
Genome position (GRCh38, 1-based): chr19:8,589,335, C>T on the plus strand (G>A on the coding strand, the complement: ADAMTS10 is on the minus strand). VCF-style: chr19-8589335-C-T. GRCh37 (hg19) VCF-style: chr19-8654219-C-T.
Other names: c.2065G>A (NM_030957.2); c.526G>A, p.Asp176Asn (NM_001282352.2); short protein forms D176N, D689N.
Identifiers: ClinVar variation 1441791 (VCV001441791.7), dbSNP rs369019430, ClinGen allele CA9160237.
Genomic context (GRCh38, chr19:8,589,335, plus strand): 5'-CGATGGTCTCGCAGGCACTGCCGTCACCGCCACACACTCGGCACTTGTCCTCCCGCAGGT[C>T]GGAGCCCAGGACTCGGTCGCAGCCCACGTGCTGCGTGGAGAAGGCGTGAGTGAGGCGACC-3'
Protein context (NP_112219.3, residues 679-699): HVGCDRVLGS[Asp689Asn]LREDKCRVCG

ClinVar aggregate classification (germline): Uncertain significance. Review status: criteria provided, multiple submitters, no conflicts (2 of 4 stars). 3 submissions from 3 submitters: Uncertain significance (3). Last evaluated 2025-04-01.

Conditions:
Inborn genetic diseases. Identifiers: MedGen C0950123, MeSH D030342.

Allele frequency attached by ClinVar (database versions not stated): TOPMed below 0.00001; gnomAD 0.00001; ExAC 0.00002; gnomAD exomes 0.00002; ESP Exome Variant Server 0.00008.
gnomAD v4.1: 21 of 1,612,376 alleles (0.0013%); highest among the groups gnomAD compares: East Asian, 0.0067%; no homozygotes.

Submissions (3):

Ambry Genetics
Classification: Uncertain significance for Inborn genetic diseases. Last evaluated: 2025-04-01. Review status: criteria provided, single submitter. Criteria: Ambry Variant Classification Scheme 2023. Collection method: clinical testing. Allele origin: germline.

Labcorp Genetics (formerly Invitae), Labcorp
Classification: Uncertain significance. Last evaluated: 2023-11-27. Review status: criteria provided, single submitter. Criteria: Invitae Variant Classification Sherloc (09022015). Collection method: clinical testing. Allele origin: germline.
Comment: This sequence change replaces aspartic acid, which is acidic and polar, with asparagine, which is neutral and polar, at codon 689 of the ADAMTS10 protein (p.Asp689Asn). This variant is present in population databases (rs369019430, gnomAD 0.01%). This variant has not been reported in the literature in individuals affected with ADAMTS10-related conditions. ClinVar contains an entry for this variant (Variation ID: 1441791). An algorithm developed to predict the effect of missense changes on protein structure and function (PolyPhen-2) suggests that this variant is likely to be disruptive. In summary, the available evidence is currently insufficient to determine the role of this variant in disease. Therefore, it has been classified as a Variant of Uncertain Significance.

Blueprint Genetics
Classification: Uncertain significance. Last evaluated: 2023-08-09. Review status: criteria provided, single submitter. Criteria: ACMG Guidelines, 2015. Collection method: clinical testing. Allele origin: germline.